The following is an entry in ClinVar:

NM_006121.4(KRT1):c.1786G>A (p.Gly596Ser)

Gene: KRT1 (keratin 1; minus strand). Cytogenetic location: 12q13.13.
Variant type: single nucleotide variant.
Coding change: c.1786G>A on transcript NM_006121.4 (MANE Select); coding-DNA position 1786, G replaced by A.
Protein change: p.Gly596Ser; replaces glycine 596 with serine.
Molecular consequence: missense variant.
Genome position (GRCh38, 1-based): chr12:52,675,342, C>T on the plus strand (G>A on the coding strand, the complement: KRT1 is on the minus strand). VCF-style: chr12-52675342-C-T. GRCh37 (hg19) VCF-style: chr12-53069126-C-T.
Other names: short protein forms G596S.
Identifiers: ClinVar variation 3358571 (VCV003358571.2).

ClinVar aggregate classification (germline): Uncertain significance. Review status: criteria provided, single submitter (1 of 4 stars). 2 submissions from 2 submitters: Uncertain significance (1). 1 of the submissions does not count toward it. Last evaluated 2026-06-03.

Conditions:
Inborn genetic diseases. Identifiers: MedGen C0950123, MeSH D030342.
KRT1-related disorder. Also called: KRT1-related condition.

gnomAD v4.1: 26 of 1,610,730 alleles (0.0016%); highest among the groups gnomAD compares: Admixed American, 0.0033%; no homozygotes.

Submissions (2):

Ambry Genetics
Classification: Uncertain significance for Inborn genetic diseases. Last evaluated: 2026-06-03. Review status: criteria provided, single submitter. Criteria: Ambry Variant Classification Scheme 2023. Collection method: clinical testing. Allele origin: germline.

PreventionGenetics, part of Exact Sciences
Classification: Uncertain significance for KRT1-related condition. Last evaluated: 2024-08-23. Review status: no assertion criteria provided. Collection method: clinical testing. Allele origin: germline. Not counted in ClinVar's aggregate classification.
Comment: The KRT1 c.1786G>A variant is predicted to result in the amino acid substitution p.Gly596Ser. To our knowledge, this variant has not been reported in the literature. This variant is reported in 0.0029% of alleles in individuals of Latino descent in gnomAD. At this time, the clinical significance of this variant is uncertain due to the absence of conclusive functional and genetic evidence.